The following is an entry in ClinVar:

NM_019032.6(ADAMTSL4):c.1583G>C (p.Arg528Pro)

Genes: ADAMTSL4 (ADAMTS like 4; plus strand), ADAMTSL4-AS2 (ADAMTSL4 antisense RNA 2; minus strand). Cytogenetic location: 1q21.2.
Variant type: single nucleotide variant.
Coding change: c.1583G>C on transcript NM_019032.6 (MANE Select); coding-DNA position 1583, G replaced by C.
Protein change: p.Arg528Pro; replaces arginine 528 with proline.
Molecular consequence: missense variant.
Genome position (GRCh38, 1-based): chr1:150,556,627, G>C. VCF-style: chr1-150556627-G-C. GRCh37 (hg19) VCF-style: chr1-150529103-G-C.
Other names: c.1652G>C, p.Arg551Pro (NM_001288607.2, NM_001288608.2); c.1583G>C, p.Arg528Pro (NM_001378596.1, NM_025008.5); short protein forms R528P, R551P.
Identifiers: ClinVar variation 2160716 (VCV002160716.1), dbSNP rs775518706, ClinGen allele CA1078336.

ClinVar aggregate classification (germline): Uncertain significance (1 of 4 stars; one submission).

Allele frequency attached by ClinVar (database versions not stated): TOPMed 0.00001.
gnomAD v4.1: 30 of 1,614,034 alleles (0.0019%); highest among the groups gnomAD compares: Non-Finnish European, 0.0022%; no homozygotes.

Submission:

Labcorp Genetics (formerly Invitae), Labcorp
Classification: Uncertain significance. Last evaluated: 2022-03-12. Review status: criteria provided, single submitter. Criteria: Invitae Variant Classification Sherloc (09022015). Collection method: clinical testing. Allele origin: germline.
Comment: This sequence change replaces arginine, which is basic and polar, with proline, which is neutral and non-polar, at codon 528 of the ADAMTSL4 protein (p.Arg528Pro). This variant is present in population databases (rs775518706, gnomAD 0.007%). This variant has not been reported in the literature in individuals affected with ADAMTSL4-related conditions. Algorithms developed to predict the effect of missense changes on protein structure and function (SIFT, PolyPhen-2, Align-GVGD) all suggest that this variant is likely to be disruptive. In summary, the available evidence is currently insufficient to determine the role of this variant in disease. Therefore, it has been classified as a Variant of Uncertain Significance.